The following is an entry in ClinVar:

ClinVar aggregate classification (germline): Pathogenic. Review status: criteria provided, multiple submitters, no conflicts (2 of 4 stars). 9 submissions from 9 submitters: Pathogenic (8). 1 of the submissions does not count toward it. Last evaluated 2026-01-21.

Conditions:
NAGLU-related disorder. Also called: NAGLU-related condition.
Hepatosplenomegaly. Identifiers: MedGen C0019214, HP:0001433.
Abnormal facial shape. Also called: Dysmorphic facial features; Dysmorphic facies. Identifiers: MedGen C0424503, HP:0001999.
Hypertrichosis. Also called: excessive hair growth. Identifiers: Orphanet 79365, MedGen C0020555, MONDO:0019280, HP:0000998.
Thick eyebrow. Identifiers: MedGen C1853487, HP:0000574.
Abnormality of metabolism/homeostasis. Identifiers: MedGen C4021768, HP:0001939.
Mucopolysacchariduria. Identifiers: MedGen C4024726, HP:0008155.
Coarse facial features. Identifiers: MedGen C1845847, HP:0000280.
Severe intellectual disability. Identifiers: MedGen C0036857, HP:0010864.
Charcot-Marie-Tooth disease axonal type 2V. Also called: CHARCOT-MARIE-TOOTH NEUROPATHY, TYPE 2V; CHARCOT-MARIE-TOOTH DISEASE, AXONAL, AUTOSOMAL DOMINANT, TYPE 2V. Identifiers: Orphanet 447964, MedGen C5569050, MONDO:0014665, OMIM 616491.
Mucopolysaccharidosis, MPS-III-B (MPS3B). Also called: MUCOPOLYSACCHARIDOSIS, TYPE IIIB; N-ACETYL-ALPHA-D-GLUCOSAMINIDASE DEFICIENCY; NAGLU DEFICIENCY; MPS III B; Mucopolysaccharidosis type IIIB (Sanfilippo B); MPS IIIB (Sanfilippo Syndrome Type B). Identifiers: Orphanet 79270, MedGen C0086648, MONDO:0009656, OMIM 252920.

Submissions (9):

PreventionGenetics, part of Exact Sciences
Classification: Pathogenic for NAGLU-related condition. Last evaluated: 2026-01-21. Review status: criteria provided, single submitter. Criteria: ACMG Guidelines, 2015. Collection method: clinical testing. Allele origin: germline.
Comment: The NAGLU c.507_516del10 variant is predicted to result in a frameshift and premature protein termination (p.Ser169Argfs*13). This variant was reported in the homozygous and compound heterozygous states in two unrelated individuals with mucopolysaccharidosis IIIB/Sanfilippo syndrome B (Zhao et al. 1996. PubMed ID: 8650226; Noyan et al. 2024. PubMed ID: 38841321). This variant is reported in 0.0031% of alleles in individuals of European (Non-Finnish) descent in gnomAD. Frameshift variants in NAGLU are expected to be pathogenic. This variant is interpreted as pathogenic.

Natera, Inc.
Classification: Pathogenic for Mucopolysaccharidosis type IIIB. Last evaluated: 2025-07-20. Review status: criteria provided, single submitter. Criteria: Natera Variant Classification Schema (03/2026). Collection method: clinical testing. Allele origin: germline.
Comment: The c.507_516delCGGCCAGGAG variant in NAGLU is a frameshift variant predicted to shift the reading frame beginning at codon 169 and leads to a stop codon 13 codons downstream. This variant is expected to result in nonsense mediated decay, truncation, or a dysfunctional protein product. This variant is rare in the general population with a frequency below the threshold expected for the associated phenotype(s). This variant has been observed in one or more individuals affected with the associated recessive disease, as either homozygous or compound heterozygous with a second variant (PMID: 29661560, 10094189). Given the available evidence, this variant is classified as Pathogenic.

Labcorp Genetics (formerly Invitae), Labcorp
Classification: Pathogenic for Charcot-Marie-Tooth disease axonal type 2V; Mucopolysaccharidosis, MPS-III-B. Last evaluated: 2025-07-03. Review status: criteria provided, single submitter. Criteria: Invitae Variant Classification Sherloc (09022015). Collection method: clinical testing. Allele origin: germline.
Comment: This sequence change creates a premature translational stop signal (p.Ser169Argfs*13) in the NAGLU gene. It is expected to result in an absent or disrupted protein product. Loss-of-function variants in NAGLU are known to be pathogenic (PMID: 9832037, 10094189, 16151907). This variant is present in population databases (rs483352897, gnomAD 0.003%). This premature translational stop signal has been observed in individual(s) with Sanfilippo syndrome type B (PMID: 8650226). ClinVar contains an entry for this variant (Variation ID: 1564). For these reasons, this variant has been classified as Pathogenic.

Fulgent Genetics
Classification: Pathogenic for Mucopolysaccharidosis, MPS-III-B; Charcot-Marie-Tooth disease axonal type 2V. Last evaluated: 2024-06-24. Review status: criteria provided, single submitter. Criteria: ACMG Guidelines, 2015. Collection method: clinical testing. Allele origin: germline.

Blueprint Genetics
Classification: Pathogenic for NAGLU-related disorders. Last evaluated: 2024-03-26. Review status: criteria provided, single submitter. Criteria: ACMG Guidelines, 2015. Collection method: clinical testing. Allele origin: germline. Affected: yes. Observed: 4 variant alleles.

GeneDx
Classification: Pathogenic. Last evaluated: 2022-11-25. Review status: criteria provided, single submitter. Criteria: GeneDx Variant Classification Process June 2021. Collection method: clinical testing. Allele origin: germline. Affected: yes.
Comment: Frameshift variant predicted to result in protein truncation or nonsense mediated decay in a gene for which loss-of-function is a known mechanism of disease; Not observed at a significant frequency in large population cohorts (gnomAD); This variant is associated with the following publications: (PMID: 14984474, 8650226, 16151907, 9443875, 9832037, 26147798, 10094189)

Women's Health and Genetics/Laboratory Corporation of America, LabCorp
Classification: Pathogenic for Mucopolysaccharidosis, MPS-III-B. Last evaluated: 2021-04-23. Review status: criteria provided, single submitter. Criteria: LabCorp Variant Classification Summary - May 2015. Collection method: clinical testing. Allele origin: germline.
Comment: Variant summary: NAGLU c.507_516del10 (p.Ser169ArgfsX13) results in a premature termination codon, predicted to cause a truncation of the encoded protein or absence of the protein due to nonsense mediated decay, which are commonly known mechanisms for disease. The variant allele was found at a frequency of 1.2e-05 in 251134 control chromosomes (gnomAD). c.507_516del10 (also known as 503del10 in the literature) has been reported in the literature in multiple individuals (both homozygous and compound heterozygous) affected with Mucopolysaccharidosis Type IIIB (Sanfilippo Syndrome B) (example: Beesley_2004, Weber_1999, Zhao_1998) . These data indicate that the variant is very likely to be associated with disease. To our knowledge, no experimental evidence demonstrating an impact on protein function has been reported. Two ClinVar submitters (evaluation after 2014) cite the variant as pathogenic. Based on the evidence outlined above, the variant was classified as pathogenic.

Centre for Mendelian Genomics, University Medical Centre Ljubljana
Classification: Pathogenic for Abnormal facial shape; Abnormality of metabolism/homeostasis; Coarse facial features; Hepatosplenomegaly; Hypertrichosis; Severe intellectual disability; Mucopolysacchariduria; Thick eyebrow. Last evaluated: 2017-01-01. Review status: criteria provided, single submitter. Criteria: ACMG Guidelines, 2015. Collection method: clinical testing. Allele origin: unknown. Affected: yes.

OMIM
Classification: Pathogenic for MUCOPOLYSACCHARIDOSIS, TYPE IIIB. Last evaluated: 1996-06-11. Review status: no assertion criteria provided. Collection method: literature only. Allele origin: germline. Not counted in ClinVar's aggregate classification.

Literature cited by the submitters: PubMed 29661560 (cited by Natera, Inc.); PubMed 10094189 (cited by 3 submitters); PubMed 9832037 (cited by Labcorp Genetics (formerly Invitae), Labcorp); PubMed 16151907 (cited by Labcorp Genetics (formerly Invitae), Labcorp); PubMed 8650226 (cited by Labcorp Genetics (formerly Invitae), Labcorp and OMIM); PubMed 9443875 (cited by Women's Health and Genetics/Laboratory Corporation of America, LabCorp); PubMed 14984474 (cited by Women's Health and Genetics/Laboratory Corporation of America, LabCorp).

NM_000263.4(NAGLU):c.507_516del (p.Ser169fs)

Gene: NAGLU (N-acetyl-alpha-glucosaminidase; plus strand). Cytogenetic location: 17q21.2.
Variant type: Deletion.
Coding change: c.507_516del on transcript NM_000263.4 (MANE Select); coding-DNA positions 507 to 516, 10 bases deleted (CGGCCAGGAG; older notation c.507_516delCGGCCAGGAG).
Protein change: p.Ser169fs; shifts the reading frame from serine 169.
Molecular consequence: frameshift variant.
Genome position (GRCh38, 1-based): chr17:42,537,521-42,537,530, CGGCCAGGAG deleted; deleting any 10 consecutive bases within chr17:42,537,517-42,537,530 gives the same sequence; the c. name uses the placement nearest the transcript's 3' end. VCF-style (leftmost placement, unchanged base first): chr17-42537516-TGGAGCGGCCA-T. GRCh37 (hg19) VCF-style: chr17-40689534-TGGAGCGGCCA-T.
Other names: c.507_516del (NM_000263.3); c.507_516del10 (NM_000263.3); short protein forms S169fs.
Identifiers: ClinVar variation 1564 (VCV000001564.32), dbSNP rs483352897, ClinGen allele CA115047.